The following is an entry in ClinVar:

NM_017433.5(MYO3A):c.3155G>A (p.Arg1052Gln)

Gene: MYO3A (myosin IIIA; plus strand). Cytogenetic location: 10p12.1.
Variant type: single nucleotide variant.
Coding change: c.3155G>A on transcript NM_017433.5 (MANE Select); coding-DNA position 3155, G replaced by A.
Protein change: p.Arg1052Gln; replaces arginine 1052 with glutamine.
Molecular consequence: missense variant.
Genome position (GRCh38, 1-based): chr10:26,168,755, G>A. VCF-style: chr10-26168755-G-A. GRCh37 (hg19) VCF-style: chr10-26457684-G-A.
Other names: short protein forms R1052Q.
Identifiers: ClinVar variation 77914 (VCV000077914.14), dbSNP rs267602452, ClinGen allele CA5445196.

ClinVar aggregate classification (germline): Uncertain significance. Review status: criteria provided, multiple submitters, no conflicts (2 of 4 stars). 5 submissions from 5 submitters: Uncertain significance (5). Last evaluated 2026-03-27.

Conditions:
Inborn genetic diseases. Identifiers: MedGen C0950123, MeSH D030342.
Autosomal recessive nonsyndromic hearing loss 30. Identifiers: Orphanet 90636, MedGen C1846784, MONDO:0011774, OMIM 607101.

Allele frequency attached by ClinVar (database versions not stated): TOPMed 0.00002; ExAC 0.00009; gnomAD 0.00003; gnomAD exomes 0.00008.
gnomAD v4.1: 44 of 1,613,300 alleles (0.0027%); highest among the groups gnomAD compares: South Asian, 0.027%; 1 homozygote.

Submissions (5):

GeneDx
Classification: Uncertain significance. Last evaluated: 2026-03-27. Review status: criteria provided, single submitter. Criteria: GeneDx Variant Classification Process June 2021. Collection method: clinical testing. Allele origin: germline.
Comment: Identified in a patient belonging to a large cohort of individuals diagnosed with autism in published literature (PMID: 35982159); In silico analysis suggests that this missense variant does not alter protein structure/function; This variant is associated with the following publications: (PMID: 35982159)

Ambry Genetics
Classification: Uncertain significance for Inborn genetic diseases. Last evaluated: 2023-09-21. Review status: criteria provided, single submitter. Criteria: Ambry Variant Classification Scheme 2023. Collection method: clinical testing. Allele origin: germline.

Labcorp Genetics (formerly Invitae), Labcorp
Classification: Uncertain significance. Last evaluated: 2023-05-13. Review status: criteria provided, single submitter. Criteria: Invitae Variant Classification Sherloc (09022015). Collection method: clinical testing. Allele origin: germline.
Comment: In summary, the available evidence is currently insufficient to determine the role of this variant in disease. Therefore, it has been classified as a Variant of Uncertain Significance. Advanced modeling of protein sequence and biophysical properties (such as structural, functional, and spatial information, amino acid conservation, physicochemical variation, residue mobility, and thermodynamic stability) performed at Invitae indicates that this missense variant is not expected to disrupt MYO3A protein function. ClinVar contains an entry for this variant (Variation ID: 77914). This variant has not been reported in the literature in individuals affected with MYO3A-related conditions. This variant is present in population databases (rs267602452, gnomAD 0.04%). This sequence change replaces arginine, which is basic and polar, with glutamine, which is neutral and polar, at codon 1052 of the MYO3A protein (p.Arg1052Gln).

Genomic Research Center, Shahid Beheshti University of Medical Sciences
Classification: Uncertain significance for Deafness, autosomal recessive 30. Last evaluated: 2018-08-07. Review status: criteria provided, single submitter. Criteria: ACMG Guidelines, 2015. Collection method: clinical testing. Allele origin: inherited. Affected: yes. Observed: 1 variant allele.

Illumina Laboratory Services, Illumina
Classification: Uncertain significance for Autosomal recessive nonsyndromic hearing loss 30. Last evaluated: 2018-01-13. Review status: criteria provided, single submitter. Criteria: ICSL Variant Classification Criteria 13 December 2019. Collection method: clinical testing. Allele origin: germline.